The following is an entry in ClinVar:

NM_000089.4(COL1A2):c.115G>A (p.Gly39Arg)

Gene: COL1A2 (collagen type I alpha 2 chain; plus strand). Cytogenetic location: 7q21.3.
Variant type: single nucleotide variant.
Coding change: c.115G>A on transcript NM_000089.4 (MANE Select); coding-DNA position 115, G replaced by A.
Protein change: p.Gly39Arg; replaces glycine 39 with arginine.
Molecular consequence: missense variant.
Genome position (GRCh38, 1-based): chr7:94,399,067, G>A. VCF-style: chr7-94399067-G-A. GRCh37 (hg19) VCF-style: chr7-94028379-G-A.
Other names: short protein forms G39R.
Identifiers: ClinVar variation 2566489 (VCV002566489.3), dbSNP rs2484692020, ClinGen allele CA368219063.

ClinVar aggregate classification (germline): Conflicting classifications of pathogenicity. Review status: criteria provided, conflicting classifications (1 of 4 stars). 2 submissions from 2 submitters: Likely pathogenic (1); Uncertain significance (1). Last evaluated 2023-07-27.

Conditions:
Cardiovascular phenotype. Identifiers: MedGen CN230736.

Submissions (2):

ARUP Laboratories, Molecular Genetics and Genomics, ARUP Laboratories
Classification: Likely pathogenic. Last evaluated: 2023-07-27. Review status: criteria provided, single submitter. Criteria: ARUP Molecular Germline Variant Investigation Process 2024. Collection method: clinical testing. Allele origin: germline.
Comment: The COL1A2 c.115G>A; p.Gly39Arg variant, to our knowledge, is not reported in the medical literature but is reported in ClinVar (Variation ID: 2566489). This variant is absent from the Genome Aggregation Database, indicating it is not a common polymorphism. Computational analyses predict that this variant is deleterious (REVEL: 0.968). Additionally, this variant disrupts the repeating Gly-X-Y sequence motif of the collagen triple helix and is predicted to impair collagen function (Ben Amor 2011). Based on available information, this variant is considered to be likely pathogenic. References: Ben Amor I et al. Genotype-phenotype correlations in autosomal dominant osteogenesis imperfecta. J Osteoporos. 2011; 2011:540178. PMID: 21912751.

Ambry Genetics
Classification: Uncertain significance for Cardiovascular phenotype. Last evaluated: 2023-05-09. Review status: criteria provided, single submitter. Criteria: Ambry Variant Classification Scheme 2023. Collection method: clinical testing. Allele origin: germline.
Comment: The p.G39R variant (also known as c.115G>A), located in coding exon 4 of the COL1A2 gene, results from a G to A substitution at nucleotide position 115. The glycine at codon 39 is replaced by arginine, an amino acid with dissimilar properties. This amino acid position is highly conserved in available vertebrate species. In addition, this alteration is predicted to be deleterious by in silico analysis. Since supporting evidence is limited at this time, the clinical significance of this alteration remains unclear.